The following is an entry in ClinVar:

ClinVar aggregate classification (germline): Likely benign (1 of 4 stars; one submission).

Allele frequency attached by ClinVar (database versions not stated): gnomAD 0.00001; ESP Exome Variant Server 0.00008; TOPMed 0.00002.
gnomAD v4.1: 1 of 1,600,656 alleles (0.000062%); highest among the groups gnomAD compares: African/African-American, 0.0013%; no homozygotes.

Submission:

GeneDx
Classification: Likely benign. Last evaluated: 2017-07-04. Review status: criteria provided, single submitter. Criteria: GeneDx Variant Classification (06012015). Collection method: clinical testing. Allele origin: germline. Affected: yes.
Comment: This variant is considered likely benign or benign based on one or more of the following criteria: it is a conservative change, it occurs at a poorly conserved position in the protein, it is predicted to be benign by multiple in silico algorithms, and/or has population frequency not consistent with disease.

NM_144573.4(NEXN):c.1252-13A>C

Gene: NEXN (nexilin F-actin binding protein; plus strand). Cytogenetic location: 1p31.1.
Variant type: single nucleotide variant.
Coding change: c.1252-13A>C on transcript NM_144573.4 (MANE Select); 13 bases into the intron before coding-DNA position 1252, A replaced by C.
Molecular consequence: intron variant.
Genome position (GRCh38, 1-based): chr1:77,935,810, A>C. VCF-style: chr1-77935810-A-C. GRCh37 (hg19) VCF-style: chr1-78401495-A-C.
Other names: c.1060-13A>C (NM_001172309.2).
Identifiers: ClinVar variation 510522 (VCV000510522.1), dbSNP rs372603998, ClinGen allele CA24686327.
Genomic context (GRCh38, chr1:77,935,810, plus strand): 5'-CAAGGCCAGCCTTGGCAACATAGTGAGACTCTCTCAAAAACAGCAGCAACAAACTTATTA[A>C]TTTTTTTTGAAGGAAGAGGAAGAAAATGAAACCTTTGGATTGAGCAGAGAATATGAAGAA-3'